The following is an entry in ClinVar:

NM_006231.4(POLE):c.3940G>A (p.Gly1314Arg)

Gene: POLE (DNA polymerase epsilon, catalytic subunit; minus strand). Cytogenetic location: 12q24.33.
Variant type: single nucleotide variant.
Coding change: c.3940G>A on transcript NM_006231.4 (MANE Select); coding-DNA position 3940, G replaced by A.
Protein change: p.Gly1314Arg; replaces glycine 1314 with arginine.
Molecular consequence: missense variant.
Genome position (GRCh38, 1-based): chr12:132,649,371, C>T on the plus strand (G>A on the coding strand, the complement: POLE is on the minus strand). VCF-style: chr12-132649371-C-T. GRCh37 (hg19) VCF-style: chr12-133225957-C-T.
Other names: short protein forms G1314R.
Identifiers: ClinVar variation 3661175 (VCV003661175.2).

ClinVar aggregate classification (germline): Uncertain significance (1 of 4 stars; one submission).

Submission:

Labcorp Genetics (formerly Invitae), Labcorp
Classification: Uncertain significance. Last evaluated: 2024-08-01. Review status: criteria provided, single submitter. Criteria: Invitae Variant Classification Sherloc (09022015). Collection method: clinical testing. Allele origin: germline.
Comment: This sequence change replaces glycine, which is neutral and non-polar, with arginine, which is basic and polar, at codon 1314 of the POLE protein (p.Gly1314Arg). This variant is not present in population databases (gnomAD no frequency). This variant has not been reported in the literature in individuals affected with POLE-related conditions. Advanced modeling of protein sequence and biophysical properties (such as structural, functional, and spatial information, amino acid conservation, physicochemical variation, residue mobility, and thermodynamic stability) performed at Invitae indicates that this missense variant is not expected to disrupt POLE protein function with a negative predictive value of 80%. In summary, the available evidence is currently insufficient to determine the role of this variant in disease. Therefore, it has been classified as a Variant of Uncertain Significance.